The following is an entry in ClinVar:

NM_001395414.1(MUC22):c.4416T>C (p.Gly1472=)

Gene: MUC22 (mucin 22; plus strand). Cytogenetic location: 6p21.33.
Variant type: single nucleotide variant.
Coding change: c.4416T>C on transcript NM_001395414.1 (MANE Select); coding-DNA position 4416, T replaced by C.
Protein change: p.Gly1472=; no amino-acid change (glycine 1472 retained).
Molecular consequence: synonymous variant.
Genome position (GRCh38, 1-based): chr6:31,029,847, T>C. VCF-style: chr6-31029847-T-C. GRCh37 (hg19) VCF-style: chr6-30997624-T-C.
Other names: c.4416T>C, p.Gly1472= (NM_001198815.1); c.4425T>C, p.Gly1475= (NM_001318484.1).
Identifiers: ClinVar variation 4280790 (VCV004280790.7).
Genomic context (GRCh38, chr6:31,029,847, plus strand): 5'-CTCTGAGACCACCACAGCCTCCACTTCAGGCTCTGAGACCAACACAGCCTGTACCACAGG[T>C]TCTGAGACCTCCACACCCTCCAGTGCAGGCTCTGAGACCAACACTGCCTTCATCATAGGC-3'
Protein context (NP_001382343.1, residues 1462-1482): GSETNTACTT[Gly1472=]SETSTPSSAG

ClinVar aggregate classification (germline): Likely benign (1 of 4 stars; one submission).

Submission:

CeGaT Center for Human Genetics Tuebingen
Classification: Likely benign. Last evaluated: 2025-09-01. Review status: criteria provided, single submitter. Criteria: CeGaT Center For Human Genetics Tuebingen Variant Classification Criteria Version 2. Collection method: clinical testing. Allele origin: germline. Affected: yes. Observed: 1 variant allele.
Comment: MUC22: BP4, BP7